The following is an entry in ClinVar:

NM_001724.5(BPGM):c.268C>T (p.Arg90Cys)

Gene: BPGM (bisphosphoglycerate mutase; plus strand). Cytogenetic location: 7q33.
Variant type: single nucleotide variant.
Coding change: c.268C>T on transcript NM_001724.5 (MANE Select); coding-DNA position 268, C replaced by T.
Protein change: p.Arg90Cys; replaces arginine 90 with cysteine.
Molecular consequence: missense variant.
Genome position (GRCh38, 1-based): chr7:134,661,775, C>T. VCF-style: chr7-134661775-C-T. GRCh37 (hg19) VCF-style: chr7-134346527-C-T.
Other names: BPGM, ARG90CYS; c.268C>T, p.Arg90Cys (NM_001293085.2, NM_199186.3); short protein forms R90C.
Identifiers: ClinVar variation 12091 (VCV000012091.7), dbSNP rs121964925, ClinGen allele CA212935.

ClinVar aggregate classification (germline): Pathogenic. Review status: criteria provided, single submitter (1 of 4 stars). 2 submissions from 2 submitters: Pathogenic (1). 1 of the submissions does not count toward it. Last evaluated 2023-04-12.

Conditions:
Deficiency of bisphosphoglycerate mutase. Also called: BPGM DEFICIENCY; DPGM DEFICIENCY; DIPHOSPHOGLYCERATE MUTASE DEFICIENCY OF ERYTHROCYTE; Hemolytic anemia due to diphosphoglycerate mutase deficiency. Identifiers: Orphanet 714, MedGen C1291620, MONDO:0009113, OMIM 222800.

Allele frequency attached by ClinVar (database versions not stated): TOPMed 0.00002; gnomAD exomes 0.00001 and below 0.00001.
gnomAD v4.1: 6 of 1,614,080 alleles (0.00037%); highest among the groups gnomAD compares: Middle Eastern, 0.033%; no homozygotes.

Submissions (2):

Labcorp Genetics (formerly Invitae), Labcorp
Classification: Pathogenic. Last evaluated: 2023-04-12. Review status: criteria provided, single submitter. Criteria: Invitae Variant Classification Sherloc (09022015). Collection method: clinical testing. Allele origin: germline.
Comment: This variant is also known as Arg89Cys. This sequence change replaces arginine, which is basic and polar, with cysteine, which is neutral and slightly polar, at codon 90 of the BPGM protein (p.Arg90Cys). This variant is present in population databases (rs121964925, gnomAD 0.006%). This missense change has been observed in individual(s) with clinical features of familial erythrocytosis (PMID: 1421379). In at least one individual the data is consistent with being in trans (on the opposite chromosome) from a pathogenic variant. It has also been observed to segregate with disease in related individuals. ClinVar contains an entry for this variant (Variation ID: 12091). Advanced modeling of protein sequence and biophysical properties (such as structural, functional, and spatial information, amino acid conservation, physicochemical variation, residue mobility, and thermodynamic stability) performed at Invitae indicates that this missense variant is expected to disrupt BPGM protein function. For these reasons, this variant has been classified as Pathogenic.

OMIM
Classification: Pathogenic for ERYTHROCYTOSIS, FAMILIAL, 8. Last evaluated: 1992-11-15. Review status: no assertion criteria provided. Collection method: literature only. Allele origin: germline. Not counted in ClinVar's aggregate classification.

Literature cited by the submitters: PubMed 1421379 (cited by Labcorp Genetics (formerly Invitae), Labcorp and OMIM); PubMed 25015942 (cited by OMIM); PubMed 2542247 (cited by OMIM); PubMed 152321 (cited by OMIM).